The following is an entry in ClinVar:

ClinVar aggregate classification (germline): Uncertain significance (1 of 4 stars; one submission).

Conditions:
Familial hemophagocytic lymphohistiocytosis 5. Also called: STXBP2-Related Familial Hemophagocytic Lymphohistiocytosis (STXBP2-fHLH). Identifiers: Orphanet 540, MedGen C2751293, MONDO:0013135, OMIM 613101.

Submission:

Labcorp Genetics (formerly Invitae), Labcorp
Classification: Uncertain significance for Familial hemophagocytic lymphohistiocytosis 5. Last evaluated: 2025-09-22. Review status: criteria provided, single submitter. Criteria: Invitae Variant Classification Sherloc (09022015). Collection method: clinical testing. Allele origin: germline.
Comment: This sequence change replaces aspartic acid, which is acidic and polar, with asparagine, which is neutral and polar, at codon 352 of the STXBP2 protein (p.Asp352Asn). This variant is not present in population databases (gnomAD no frequency). This variant has not been reported in the literature in individuals affected with STXBP2-related conditions. Invitae Evidence Modeling of protein sequence and biophysical properties (such as structural, functional, and spatial information, amino acid conservation, physicochemical variation, residue mobility, and thermodynamic stability) indicates that this missense variant is not expected to disrupt STXBP2 protein function with a negative predictive value of 95%. In summary, the available evidence is currently insufficient to determine the role of this variant in disease. Therefore, it has been classified as a Variant of Uncertain Significance.

NM_006949.4(STXBP2):c.1054G>A (p.Asp352Asn)

Gene: STXBP2 (syntaxin binding protein 2; plus strand). Cytogenetic location: 19p13.2.
Variant type: single nucleotide variant.
Coding change: c.1054G>A on transcript NM_006949.4 (MANE Select); coding-DNA position 1054, G replaced by A.
Protein change: p.Asp352Asn; replaces aspartic acid 352 with asparagine.
Molecular consequence: missense variant.
Genome position (GRCh38, 1-based): chr19:7,643,192, G>A. VCF-style: chr19-7643192-G-A. GRCh37 (hg19) VCF-style: chr19-7708078-G-A.
Other names: c.1045G>A, p.Asp349Asn (NM_001127396.3); c.1087G>A, p.Asp363Asn (NM_001272034.2); c.958G>A, p.Asp320Asn (NM_001414484.1); short protein forms D320N, D363N, D352N, D349N.
Identifiers: ClinVar variation 4747464 (VCV004747464.1).